The following is an entry in ClinVar:

ClinVar aggregate classification (germline): Uncertain significance (1 of 4 stars; one submission).

Conditions:
Luscan-Lumish syndrome. Identifiers: Orphanet 597738, MedGen C4085873, MONDO:0014791, OMIM 616831.

Allele frequency attached by ClinVar (database versions not stated): gnomAD 0.00002 and 0.00003; TOPMed 0.00004; gnomAD exomes 0.00003; ExAC 0.00004.
gnomAD v4.1: 48 of 1,613,826 alleles (0.003%); highest among the groups gnomAD compares: Non-Finnish European, 0.004%; no homozygotes.

Submission:

Labcorp Genetics (formerly Invitae), Labcorp
Classification: Uncertain significance for Luscan-Lumish syndrome. Last evaluated: 2022-02-04. Review status: criteria provided, single submitter. Criteria: Invitae Variant Classification Sherloc (09022015). Collection method: clinical testing. Allele origin: germline.
Comment: This sequence change replaces cysteine, which is neutral and slightly polar, with phenylalanine, which is neutral and non-polar, at codon 849 of the SETD2 protein (p.Cys849Phe). This variant is present in population databases (rs776511280, gnomAD 0.006%). This variant has not been reported in the literature in individuals affected with SETD2-related conditions. ClinVar contains an entry for this variant (Variation ID: 660056). Algorithms developed to predict the effect of missense changes on protein structure and function (SIFT, PolyPhen-2, Align-GVGD) all suggest that this variant is likely to be tolerated. In summary, the available evidence is currently insufficient to determine the role of this variant in disease. Therefore, it has been classified as a Variant of Uncertain Significance.

NM_014159.7(SETD2):c.2546G>T (p.Cys849Phe)

Gene: SETD2 (SET domain containing 2, histone lysine methyltransferase; minus strand). Cytogenetic location: 3p21.31.
Variant type: single nucleotide variant.
Coding change: c.2546G>T on transcript NM_014159.7 (MANE Select); coding-DNA position 2546, G replaced by T.
Protein change: p.Cys849Phe; replaces cysteine 849 with phenylalanine.
Molecular consequence: missense variant. On other transcripts: non-coding transcript variant (1).
Genome position (GRCh38, 1-based): chr3:47,122,090, C>A on the plus strand (G>T on the coding strand, the complement: SETD2 is on the minus strand). VCF-style: chr3-47122090-C-A. GRCh37 (hg19) VCF-style: chr3-47163580-C-A.
Other names: c.2414G>T, p.Cys805Phe (NM_001349370.3); short protein forms C805F, C849F.
Identifiers: ClinVar variation 660056 (VCV000660056.4), dbSNP rs776511280, ClinGen allele CA2363517.